The following is an entry in ClinVar:

NM_000384.3(APOB):c.6500T>C (p.Phe2167Ser)

Gene: APOB (apolipoprotein B; minus strand). Cytogenetic location: 2p24.1.
Variant type: single nucleotide variant.
Coding change: c.6500T>C on transcript NM_000384.3 (MANE Select); coding-DNA position 6500, T replaced by C.
Protein change: p.Phe2167Ser; replaces phenylalanine 2167 with serine.
Molecular consequence: missense variant.
Genome position (GRCh38, 1-based): chr2:21,010,368, A>G on the plus strand (T>C on the coding strand, the complement: APOB is on the minus strand). VCF-style: chr2-21010368-A-G. GRCh37 (hg19) VCF-style: chr2-21233240-A-G.
Other names: short protein forms F2167S.
Identifiers: ClinVar variation 3751369 (VCV003751369.2).

ClinVar aggregate classification (germline): Uncertain significance (1 of 4 stars; one submission).

Conditions:
Familial hypobetalipoproteinemia 1. Also called: APOB-Related Familial Hypobetalipoproteinemia; Hypobetalipoproteinemia, normotriglyceridemic; Acanthocytosis with hypobetalipoproteinemia. Identifiers: MedGen C4551990, MONDO:0014252, OMIM 615558.
Hypercholesterolemia, autosomal dominant, type B (FHCL2). Also called: Familial Hypercholesterolemia Type B; APOLIPOPROTEIN B-100, FAMILIAL DEFECTIVE; APOLIPOPROTEIN B-100, FAMILIAL LIGAND-DEFECTIVE; HYPERCHOLESTEROLEMIA, FAMILIAL, DUE TO LIGAND-DEFECTIVE APOLIPOPROTEIN B; Hyperlipoproteinemia Type IIb; Familial hypercholesterolemia 2. Identifiers: MedGen C1704417, MONDO:0007751, OMIM 144010.

gnomAD v4.1: 1 of 1,580,234 alleles (0.000063%); highest among the groups gnomAD compares: Admixed American, 0.0018%; no homozygotes.

Submission:

Labcorp Genetics (formerly Invitae), Labcorp
Classification: Uncertain significance for Familial hypobetalipoproteinemia 1; Hypercholesterolemia, autosomal dominant, type B. Last evaluated: 2024-11-04. Review status: criteria provided, single submitter. Criteria: Invitae Variant Classification Sherloc (09022015). Collection method: clinical testing. Allele origin: germline.
Comment: This sequence change replaces phenylalanine, which is neutral and non-polar, with serine, which is neutral and polar, at codon 2167 of the APOB protein (p.Phe2167Ser). This variant is not present in population databases (gnomAD no frequency). This variant has not been reported in the literature in individuals affected with APOB-related conditions. Invitae Evidence Modeling of protein sequence and biophysical properties (such as structural, functional, and spatial information, amino acid conservation, physicochemical variation, residue mobility, and thermodynamic stability) indicates that this missense variant is not expected to disrupt APOB protein function with a negative predictive value of 95%. In summary, the available evidence is currently insufficient to determine the role of this variant in disease. Therefore, it has been classified as a Variant of Uncertain Significance.